The following is an entry in ClinVar:

NM_024529.5(CDC73):c.1171G>T (p.Glu391Ter)

Gene: CDC73 (cell division cycle 73; plus strand). Cytogenetic location: 1q31.2.
Variant type: single nucleotide variant.
Coding change: c.1171G>T on transcript NM_024529.5 (MANE Select); coding-DNA position 1171, G replaced by T.
Protein change: p.Glu391Ter; replaces glutamic acid 391 with a stop codon.
Molecular consequence: nonsense.
Genome position (GRCh38, 1-based): chr1:193,233,009, G>T. VCF-style: chr1-193233009-G-T. GRCh37 (hg19) VCF-style: chr1-193202139-G-T.
Other names: short protein forms E391*.
Identifiers: ClinVar variation 1739774 (VCV001739774.2), dbSNP rs2102058252, ClinGen allele CA344077743.

ClinVar aggregate classification (germline): Pathogenic (1 of 4 stars; one submission).

Conditions:
Hereditary cancer-predisposing syndrome. Also called: Hereditary Cancer Syndrome; Hereditary neoplastic syndrome; Neoplastic Syndromes, Hereditary; Tumor predisposition. Identifiers: Orphanet 140162, MedGen C0027672, MeSH D009386, MONDO:0015356.

Submission:

Ambry Genetics
Classification: Pathogenic for Hereditary cancer-predisposing syndrome. Last evaluated: 2020-03-11. Review status: criteria provided, single submitter. Criteria: Ambry Variant Classification Scheme 2023. Collection method: clinical testing. Allele origin: germline.
Comment: The p.E391* pathogenic mutation (also known as c.1171G>T), located in coding exon 14 of the CDC73 gene, results from a G to T substitution at nucleotide position 1171. This changes the amino acid from a glutamic acid to a stop codon within coding exon 14. This variant was not reported in population-based cohorts in the Genome Aggregation Database (gnomAD). This alteration is expected to result in loss of function by premature protein truncation or nonsense-mediated mRNA decay. As such, this alteration is interpreted as a disease-causing mutation.